The following is an entry in ClinVar:

NM_005184.4(CALM3):c.307G>A (p.Ala103Thr)

Gene: CALM3 (calmodulin 3; plus strand). Cytogenetic location: 19q13.32.
Variant type: single nucleotide variant.
Coding change: c.307G>A on transcript NM_005184.4 (MANE Select); coding-DNA position 307, G replaced by A.
Protein change: p.Ala103Thr; replaces alanine 103 with threonine.
Molecular consequence: missense variant.
Genome position (GRCh38, 1-based): chr19:46,608,867, G>A. VCF-style: chr19-46608867-G-A. GRCh37 (hg19) VCF-style: chr19-47112124-G-A.
Other names: c.199G>A, p.Ala67Thr (NM_001329921.1, NM_001329923.1, NM_001329924.2 and 2 more transcripts); c.307G>A, p.Ala103Thr (NM_001329922.1); short protein forms A103T, A67T.
Identifiers: ClinVar variation 1315898 (VCV001315898.3), dbSNP rs147880865, ClinGen allele CA9529818.
Genomic context (GRCh38, chr19:46,608,867, plus strand): 5'-GAGAAGTGCCCAGTGAAAGGCTTTATCCCCAACCCCCAGGATGGGAATGGCTACATCAGC[G>A]CCGCAGAGCTGCGTCACGTAATGACGAACCTGGGGGAGAAGCTGACCGATGAGGAGGTGG-3'
Protein context (NP_005175.2, residues 93-113): FDKDGNGYIS[Ala103Thr]AELRHVMTNL

ClinVar aggregate classification (germline): Uncertain significance. Review status: criteria provided, multiple submitters, no conflicts (2 of 4 stars). 2 submissions from 2 submitters: Uncertain significance (2). Last evaluated 2020-01-23.

Allele frequency attached by ClinVar (database versions not stated): gnomAD exomes below 0.00001; TOPMed below 0.00001; ExAC 0.00001; ESP Exome Variant Server 0.00008.
gnomAD v4.1: 3 of 1,576,190 alleles (0.00019%); highest among the groups gnomAD compares: Non-Finnish European, 0.00017%; no homozygotes.

Submissions (2):

GeneDx
Classification: Uncertain significance. Last evaluated: 2020-01-23. Review status: criteria provided, single submitter. Criteria: GeneDx Variant Classification Process June 2021. Collection method: clinical testing. Allele origin: germline. Affected: yes.
Comment: Listed in a calmodulin review paper as found in large populations databases (Exome Sequencing Project); this variant is not reported in association with a described phenotype (Sorensen et al., 2013); Not observed at a significant frequency in large population cohorts (Lek et al., 2016); In silico analysis, which includes protein predictors and evolutionary conservation, supports a deleterious effect; This variant is associated with the following publications: (PMID: 23663249)

Blueprint Genetics
Classification: Uncertain significance. Last evaluated: 2018-03-02. Review status: criteria provided, single submitter. Criteria: ACMG Guidelines, 2015. Collection method: clinical testing. Allele origin: germline.